The following is an entry in ClinVar:

ClinVar aggregate classification (germline): Benign. Review status: criteria provided, multiple submitters, no conflicts (2 of 4 stars). 2 submissions from 2 submitters: Benign (2). Last evaluated 2018-06-18.

Allele frequency attached by ClinVar (database versions not stated): gnomAD 0.15411; TOPMed 0.15814; 1000 Genomes Project 30x 0.21627; 1000 Genomes Project 0.22145.
gnomAD v4.1: 24,080 of 152,138 alleles (16%); highest among the groups gnomAD compares: East Asian, 44%; 2,417 homozygotes.

Submissions (2):

GeneDx
Classification: Benign. Last evaluated: 2018-06-18. Review status: criteria provided, single submitter. Criteria: GeneDx Variant Classification (06012015). Collection method: clinical testing. Allele origin: germline. Affected: yes.
Comment: This variant is considered likely benign or benign based on one or more of the following criteria: it is a conservative change, it occurs at a poorly conserved position in the protein, it is predicted to be benign by multiple in silico algorithms, and/or has population frequency not consistent with disease.

Breakthrough Genomics
Classification: Benign. Review status: criteria provided, single submitter. Criteria: ACMG Guidelines, 2015. Collection method: not provided. Allele origin: germline. Inheritance: Autosomal recessive inheritance. Affected: yes.

NM_001267550.2(TTN):c.30755-245A>G

Gene: TTN (titin; minus strand). Cytogenetic location: 2q31.2.
Variant type: single nucleotide variant.
Coding change: c.30755-245A>G on transcript NM_001267550.2 (MANE Select); 245 bases into the intron before coding-DNA position 30755, A replaced by G.
Molecular consequence: intron variant.
Genome position (GRCh38, 1-based): chr2:178,697,413, T>C on the plus strand (A>G on the coding strand, the complement: TTN is on the minus strand). VCF-style: chr2-178697413-T-C. GRCh37 (hg19) VCF-style: chr2-179562140-T-C.
Other names: c.13282+40669A>G (NM_003319.4); c.13858+40669A>G (NM_133437.4); c.13657+40669A>G (NM_133432.3); c.27023-245A>G (NM_133378.4); c.29804-245A>G (NM_001256850.1).
Identifiers: ClinVar variation 670256 (VCV000670256.2), dbSNP rs6755456, ClinGen allele CA15225518.
Genomic context (GRCh38, chr2:178,697,413, plus strand): 5'-GCAAGGCCATATTAACAAAAATCAAACATGCAAAAGGCCAAAGTTTGATTCTAGTTTAGA[T>C]TGATTTAAGATCATTTAAATTGGTTCTAGTTTAGATTGATTTCTAATAAGTTAACATTAA-3'